The following is an entry in ClinVar:

ClinVar aggregate classification (germline): Uncertain significance. Review status: criteria provided, multiple submitters, no conflicts (2 of 4 stars). 2 submissions from 2 submitters: Uncertain significance (2). Last evaluated 2026-08-23.

Conditions:
Inborn genetic diseases. Identifiers: MedGen C0950123, MeSH D030342.

Submissions (2):

Ambry Genetics
Classification: Uncertain significance for Inborn genetic diseases. Last evaluated: 2026-08-23. Review status: criteria provided, single submitter. Criteria: Ambry Variant Classification Scheme 2023. Collection method: clinical testing. Allele origin: germline.
Comment: The p.R478P variant (also known as c.1433G>C), located in coding exon 9 of the FANCM gene, results from a G to C substitution at nucleotide position 1433. The arginine at codon 478 is replaced by proline, an amino acid with dissimilar properties. This amino acid position is conserved. In addition, the in silico prediction for this alteration is inconclusive. Based on the available evidence, the clinical significance of this variant remains unclear.

GeneDx
Classification: Uncertain significance. Last evaluated: 2022-07-25. Review status: criteria provided, single submitter. Criteria: GeneDx Variant Classification Process June 2021. Collection method: clinical testing. Allele origin: germline. Affected: yes.
Comment: Not observed at significant frequency in large population cohorts (gnomAD); In silico analysis supports that this missense variant has a deleterious effect on protein structure/function; Has not been previously published as pathogenic or benign to our knowledge

NM_020937.4(FANCM):c.1433G>C (p.Arg478Pro)

Gene: FANCM (FA complementation group M; plus strand). Cytogenetic location: 14q21.2.
Variant type: single nucleotide variant.
Coding change: c.1433G>C on transcript NM_020937.4 (MANE Select); coding-DNA position 1433, G replaced by C.
Protein change: p.Arg478Pro; replaces arginine 478 with proline.
Molecular consequence: missense variant.
Genome position (GRCh38, 1-based): chr14:45,159,132, G>C. VCF-style: chr14-45159132-G-C. GRCh37 (hg19) VCF-style: chr14-45628335-G-C.
Other names: c.1355G>C, p.Arg452Pro (NM_001308133.2); c.1433G>C, p.Arg478Pro (NM_001308134.2); short protein forms R452P, R478P.
Identifiers: ClinVar variation 2413022 (VCV002413022.3), dbSNP rs932978530, ClinGen allele CA389592435.